The following is an entry in ClinVar:

ClinVar aggregate classification (germline): Uncertain significance (1 of 4 stars; one submission).

Conditions:
Neurodevelopmental disorder with or without variable brain abnormalities; NEDBA. Also called: NEURODEVELOPMENTAL DISORDER WITH OR WITHOUT VARIABLE BRAIN ABNORMALITIES. Identifiers: MedGen C5193102, MONDO:0032755, OMIM 618443.

Submission:

3billion
Classification: Uncertain significance for Neurodevelopmental disorder with or without variable brain abnormalities; NEDBA. Last evaluated: 2025-12-10. Review status: criteria provided, single submitter. Criteria: ACMG Guidelines, 2015. Collection method: clinical testing. Allele origin: germline. Affected: yes.
Comment: The variant is not observed in the gnomAD v4.1.0 dataset. Predicted Consequence/Location: Stop-gained (nonsense): predicted to result in a loss or disruption of normal protein function through nonsense-mediated decay (NMD) or protein truncation. Multiple pathogenic variants are reported downstream of the variant. In silico tool predictions suggest uncertain effect of the variant on gene or gene product [3Cnet: 0.32 (> 0.75, sensitivity 0.96 and precision 0.92)]. Therefore, this variant is classified as VUS according to the recommendation of ACMG/AMP guideline.

NM_001318852.2(MAPK8IP3):c.1435_1436delinsTT (p.Glu479Leu)

Gene: MAPK8IP3 (mitogen-activated protein kinase 8 interacting protein 3; plus strand). Cytogenetic location: 16p13.3.
Variant type: Indel.
Coding change: c.1435_1436delinsTT on transcript NM_001318852.2 (MANE Select); coding-DNA positions 1435 to 1436, GA replaced by TT.
Protein change: p.Glu479Leu; replaces glutamic acid 479 with leucine.
Molecular consequence: missense variant.
Genome position (GRCh38, 1-based): chr16:1,760,510-1,760,511, GA replaced by TT. VCF-style: chr16-1760510-GA-TT. GRCh37 (hg19) VCF-style: chr16-1810511-GA-TT.
Other names: c.1414_1415delinsTT, p.Glu472Leu (NM_001040439.2); c.1432_1433delinsTT, p.Glu478Leu (NM_015133.5); short protein forms E472L, E478L, E479L.
Identifiers: ClinVar variation 4853884 (VCV004853884.1).